The following is an entry in ClinVar:

NM_000059.4(BRCA2):c.6982G>T (p.Glu2328Ter)

Gene: BRCA2 (BRCA2 DNA repair associated; plus strand). Cytogenetic location: 13q13.1.
Variant type: single nucleotide variant.
Coding change: c.6982G>T on transcript NM_000059.4 (MANE Select); coding-DNA position 6982, G replaced by T.
Protein change: p.Glu2328Ter; replaces glutamic acid 2328 with a stop codon.
Molecular consequence: nonsense.
Genome position (GRCh38, 1-based): chr13:32,346,871, G>T. VCF-style: chr13-32346871-G-T. GRCh37 (hg19) VCF-style: chr13-32921008-G-T.
Other names: short protein forms E2328*.
Identifiers: ClinVar variation 254593 (VCV000254593.3), dbSNP rs886038158, ClinGen allele CA10586566.

ClinVar aggregate classification (germline): Pathogenic. Review status: reviewed by expert panel (3 of 4 stars). 2 submissions from 2 submitters: Pathogenic (1). 1 of the submissions does not count toward it. Last evaluated 2016-09-08.

Conditions:
Breast-ovarian cancer, familial, susceptibility to, 2 (BROVCA2). Also called: BRCA2 Hereditary Breast and Ovarian Cancer. Identifiers: Orphanet 145, MedGen C2675520, MONDO:0012933, OMIM 612555. Disease mechanism: loss of function.

Submissions (2):

Evidence-based Network for the Interpretation of Germline Mutant Alleles (ENIGMA)
Classification: Pathogenic for Breast-ovarian cancer, familial, susceptibility to, 2. Last evaluated: 2016-09-08. Review status: reviewed by expert panel. Criteria: ENIGMA BRCA1/2 Classification Criteria (2015). Collection method: curation. Allele origin: germline.
Comment: Variant allele predicted to encode a truncated non-functional protein.

Myriad Genetics, Inc.
Classification: Pathogenic for Breast-ovarian cancer, familial, susceptibility to, 2. Last evaluated: 2024-01-17. Review status: criteria provided, single submitter. Criteria: Myriad Autosomal Dominant, Autosomal Recessive and X-Linked Classification Criteria (2023). Collection method: clinical testing. Allele origin: unknown. Not counted in ClinVar's aggregate classification.
Comment: This variant is considered pathogenic. This variant creates a termination codon and is predicted to result in premature protein truncation.